The following is an entry in ClinVar:

ClinVar aggregate classification (germline): Uncertain significance (1 of 4 stars; one submission).

gnomAD v4.1: 9 of 1,612,580 alleles (0.00056%); highest among the groups gnomAD compares: Non-Finnish European, 0.00076%; no homozygotes.

Submission:

Labcorp Genetics (formerly Invitae), Labcorp
Classification: Uncertain significance. Last evaluated: 2025-06-04. Review status: criteria provided, single submitter. Criteria: Invitae Variant Classification Sherloc (09022015). Collection method: clinical testing. Allele origin: germline.
Comment: This sequence change replaces glycine, which is neutral and non-polar, with valine, which is neutral and non-polar, at codon 2251 of the HMCN1 protein (p.Gly2251Val). This variant is not present in population databases (gnomAD no frequency). This variant has not been reported in the literature in individuals affected with HMCN1-related conditions. An algorithm developed to predict the effect of missense changes on protein structure and function (PolyPhen-2) suggests that this variant is likely to be disruptive. In summary, the available evidence is currently insufficient to determine the role of this variant in disease. Therefore, it has been classified as a Variant of Uncertain Significance.

NM_031935.3(HMCN1):c.6752G>T (p.Gly2251Val)

Gene: HMCN1 (hemicentin 1; plus strand). Cytogenetic location: 1q31.1.
Variant type: single nucleotide variant.
Coding change: c.6752G>T on transcript NM_031935.3 (MANE Select); coding-DNA position 6752, G replaced by T.
Protein change: p.Gly2251Val; replaces glycine 2251 with valine.
Molecular consequence: missense variant.
Genome position (GRCh38, 1-based): chr1:186,053,876, G>T. VCF-style: chr1-186053876-G-T. GRCh37 (hg19) VCF-style: chr1-186023008-G-T.
Other names: short protein forms G2251V.
Identifiers: ClinVar variation 4766285 (VCV004766285.1).